The following is an entry in ClinVar:

ClinVar aggregate classification (germline): Pathogenic/Likely pathogenic. Review status: criteria provided, multiple submitters, no conflicts (2 of 4 stars). 9 submissions from 9 submitters: Pathogenic (4); Likely pathogenic (4). 1 of the submissions does not count toward it. Last evaluated 2025-12-04.

Conditions:
FG syndrome (FGS). Identifiers: MedGen C0220769, MONDO:0002010.
MED12-related intellectual disability syndrome. Identifiers: MedGen CN305246, MONDO:0100000.
Inborn genetic diseases. Identifiers: MedGen C0950123, MeSH D030342.
Blepharophimosis - intellectual disability syndrome, MKB type. Also called: X-Linked Ohdo Syndrome (XLOS); BLEPHAROPHIMOSIS-MENTAL RETARDATION SYNDROME, MAAT-KIEVIT-BRUNNER TYPE; Ohdo syndrome, X-linked. Identifiers: Orphanet 293707, MedGen C3698541, MONDO:0010477, OMIM 300895.
FG syndrome 1 (OKS). Also called: KELLER SYNDROME; MENTAL RETARDATION, LARGE HEAD, IMPERFORATE ANUS, CONGENITAL HYPOTONIA, AND PARTIAL AGENESIS OF CORPUS CALLOSUM; OPITZ-KAVEGGIA SYNDROME; FG Syndrome Type 1 (FGS1). Identifiers: Orphanet 93932, MedGen C5399762, MONDO:0010590, OMIM 305450.

Submissions (9):

Victorian Clinical Genetics Services, Murdoch Childrens Research Institute
Classification: Pathogenic for MED12-related intellectual disability syndrome. Last evaluated: 2025-12-04. Review status: criteria provided, single submitter. Criteria: ACMG Guidelines, 2015. Collection method: clinical testing. Allele origin: germline. Affected: yes.
Comment: This variant is classified as Pathogenic. Evidence in support of pathogenic classification: Variant is absent from gnomAD (v2, v3 and v4); This variant has strong previous evidence of pathogenicity in unrelated individuals. This variant has been classified as likely pathogenic or pathogenic by clinical laboratories in ClinVar, and reported in the literature in a hemizygous state in males with MED12-related features (PMIDs: 34573309, 27500536, 28794916, 32682435). Additional information: Variant is predicted to result in a missense amino acid change from Arg to Gln; This variant is hemizygous; This gene is associated with X-linked disease. Females with heterozygous missense variants have variable presentations, some are mildly affected while others are asymptomatic (OMIM, PMIDs: 32174975, 30006928, 33244166). Females with heterozygous de novo variants resulting in a premature termination codon have been reported with severe disease and heavily skewed X-inactivation (PMIDs: 30006928, 33244166); Variant is located in the annotated Eukaryotic Mediator 12 subunit domain (DECIPHER); Missense variant with inconclusive in silico prediction and/or uninformative conservation; Loss of function is a known mechanism of disease in this gene and is associated with MED12-related intellectual disability syndrome (MONDO:0100000), and Hardikar syndrome (MIM#301068); Inheritance information for this variant is not currently available in this individual.

3billion
Classification: Pathogenic for Blepharophimosis - intellectual disability syndrome, MKB type. Last evaluated: 2024-10-11. Review status: criteria provided, single submitter. Criteria: ACMG Guidelines, 2015. Collection method: clinical testing. Allele origin: germline. Affected: yes.
Comment: The variant is not observed in the gnomAD v4.1.0 dataset. Predicted Consequence/Location: Missense variant In silico tools predict the variant to alter splicing and produce an abnormal transcript [SpliceAI: 0.38 (>=0.2, moderate evidence for spliceogenicity)]. The same nucleotide change resulting in the same amino acid change has been previously reported as pathogenic/likely pathogenic with strong evidence (ClinVar ID: VCV000522111 /PMID: 27620904 /3billion dataset). The variant has been previously reported as assumed (i.e. paternity and maternity not confirmed) de novo in at least one similarly affected unrelated individual (PMID: 27620904). Therefore, this variant is classified as Pathogenic according to the recommendation of ACMG/AMP guideline.

Division of Genomic Medicine, Department of Advanced Medicine, Medical Research Institute, Kanazawa Medical University
Classification: Likely pathogenic for Blepharophimosis - intellectual disability syndrome, MKB type. Last evaluated: 2023-10-02. Review status: criteria provided, single submitter. Criteria: ACMG Guidelines, 2015. Collection method: clinical testing. Allele origin: germline. Affected: yes. Observed: 3 variant alleles.
Comment: This missense variant is absent from controls (PM2), and mRNA level analysis showed splicing variant causing 14 aminoacids inframe deletion in LCEWAV domain (NM_005120.3:r.847_888del ) (PM4) at the same time of missense effect p.Arg296Gln. This variant was cosegregated with both affected brothers and carrier mother (PP1), and symptoms were consistent with X-linked Ohdo syndrome (PP4). Multiple lines of computational evidence support a deleterious effect as CADD phred score is 31 (PP3), also previously reported as likely-pathogenic in ClinVae (PP5). This variant It is judged to be likely-pathogenic according to ACMG Guidelines, 2015.

Laboratory of Medical Genetics, National & Kapodistrian University of Athens
Classification: Likely pathogenic for Blepharophimosis - intellectual disability syndrome, MKB type. Last evaluated: 2023-09-21. Review status: criteria provided, single submitter. Criteria: ACMG Guidelines, 2015. Collection method: clinical testing. Allele origin: germline. Affected: yes.
Comment: PS4, PM2, PP3, PP5 - The variant has been reported in ClinVar by other laboratories (Variation ID 1069251). This missense change has been observed in individual(s) with MED12 X-linked recessive associated conditions (PMID: 34573309). Low frequency in gnomAD population databases. In silico prediction tools estimated that the variant could be damaging for the protein function/stracture.

Labcorp Genetics (formerly Invitae), Labcorp
Classification: Pathogenic for FG syndrome. Last evaluated: 2023-07-30. Review status: criteria provided, single submitter. Criteria: Invitae Variant Classification Sherloc (09022015). Collection method: clinical testing. Allele origin: germline.
Comment: For these reasons, this variant has been classified as Pathogenic. Algorithms developed to predict the effect of sequence changes on RNA splicing suggest that this variant may create or strengthen a splice site. Advanced modeling of protein sequence and biophysical properties (such as structural, functional, and spatial information, amino acid conservation, physicochemical variation, residue mobility, and thermodynamic stability) performed at Invitae indicates that this missense variant is expected to disrupt MED12 protein function. ClinVar contains an entry for this variant (Variation ID: 522111). This missense change has been observed in individual(s) with MED12 X-linked recessive associated conditions (PMID: 27500536, 28794916, 34573309). In at least one individual the variant was observed to be de novo. It has also been observed to segregate with disease in related individuals. This variant is not present in population databases (gnomAD no frequency). This sequence change replaces arginine, which is basic and polar, with glutamine, which is neutral and polar, at codon 296 of the MED12 protein (p.Arg296Gln).

GeneDx
Classification: Pathogenic. Last evaluated: 2022-08-08. Review status: criteria provided, single submitter. Criteria: GeneDx Variant Classification Process June 2021. Collection method: clinical testing. Allele origin: germline. Affected: yes.
Comment: Not observed at significant frequency in large population cohorts (gnomAD); In silico analysis supports that this missense variant has a deleterious effect on protein structure/function; In silico analysis suggests this variant may impact gene splicing. In the absence of RNA/functional studies, the actual effect of this sequence change is unknown.; This variant is associated with the following publications: (PMID: 20301719, 28794916, 31536828, 34573309, 27500536, 27620904, 32682435)

Ambry Genetics
Classification: Likely pathogenic for Inborn genetic diseases. Last evaluated: 2017-10-18. Review status: criteria provided, single submitter. Criteria: Ambry exome assertion method (8-5-2015). Collection method: clinical testing. Allele origin: germline. Affected: yes. Observed: 1 variant allele.

Kasturba Medical College, Manipal, Kasturba Medical College, Manipal, Manipal Academy of Higher Education, Manipal, India
Classification: Likely pathogenic for Blepharophimosis - intellectual disability syndrome, MKB type. Review status: criteria provided, single submitter. Criteria: ACMG Guidelines, 2015. Collection method: research. Allele origin: inherited. Affected: yes.

GeneReviews
No classification provided. Condition: FG syndrome. Review status: no classification provided. Collection method: literature only. Allele origin: germline. Not counted in ClinVar's aggregate classification.
Comment: Reported in persons with X-linked Ohdo syndrome and nonspecific intellectual disability

Literature cited by the submitters: PubMed 28794916 (cited by 5 submitters); PubMed 32682435 (cited by Victorian Clinical Genetics Services, Murdoch Childrens Research Institute and GeneReviews); PubMed 30006928 (cited by Victorian Clinical Genetics Services, Murdoch Childrens Research Institute); PubMed 33244166 (cited by Victorian Clinical Genetics Services, Murdoch Childrens Research Institute); PubMed 27500536 (cited by 3 submitters); PubMed 32174975 (cited by Victorian Clinical Genetics Services, Murdoch Childrens Research Institute); PubMed 34573309 (cited by Victorian Clinical Genetics Services, Murdoch Childrens Research Institute and Labcorp Genetics (formerly Invitae), Labcorp); PubMed 27620904 (cited by 3billion and Ambry Genetics); PubMed 20301719 (cited by GeneReviews).

NM_005120.3(MED12):c.887G>A (p.Arg296Gln)

Gene: MED12 (mediator complex subunit 12; plus strand). Cytogenetic location: Xq13.1.
Variant type: single nucleotide variant.
Coding change: c.887G>A on transcript NM_005120.3 (MANE Select); coding-DNA position 887, G replaced by A.
Protein change: p.Arg296Gln; replaces arginine 296 with glutamine.
Molecular consequence: missense variant.
Genome position (GRCh38, 1-based): chrX:71,121,602, G>A. VCF-style: chrX-71121602-G-A. GRCh37 (hg19) VCF-style: chrX-70341452-G-A.
Other names: short protein forms R296Q.
Identifiers: ClinVar variation 522111 (VCV000522111.22), dbSNP rs1556334519, ClinGen allele CA413504438.